The following is an entry in ClinVar:

NM_021629.4(GNB4):c.375C>T (p.Asn125=)

Gene: GNB4 (G protein subunit beta 4; minus strand). Cytogenetic location: 3q26.33.
Variant type: single nucleotide variant.
Coding change: c.375C>T on transcript NM_021629.4 (MANE Select); coding-DNA position 375, C replaced by T.
Protein change: p.Asn125=; no amino-acid change (asparagine 125 retained).
Molecular consequence: synonymous variant.
Genome position (GRCh38, 1-based): chr3:179,414,940, G>A on the plus strand (C>T on the coding strand, the complement: GNB4 is on the minus strand). VCF-style: chr3-179414940-G-A. GRCh37 (hg19) VCF-style: chr3-179132728-G-A.
Identifiers: ClinVar variation 702192 (VCV000702192.12), dbSNP rs772099911, ClinGen allele CA2712507.

ClinVar aggregate classification (germline): Likely benign. Review status: criteria provided, multiple submitters, no conflicts (2 of 4 stars). 3 submissions from 3 submitters: Likely benign (3). Last evaluated 2026-03-04.

Conditions:
Charcot-Marie-Tooth disease dominant intermediate F. Identifiers: Orphanet 352670, MedGen C4749463, MONDO:0014074, OMIM 615185.
GNB4-related disorder. Also called: GNB4-related condition.

Allele frequency attached by ClinVar (database versions not stated): gnomAD exomes 0.00001 and 0.00004; ExAC 0.00007; TOPMed 0.00008; gnomAD 0.00009 and 0.00011.
gnomAD v4.1: 24 of 1,610,446 alleles (0.0015%); highest among the groups gnomAD compares: African/African-American, 0.028%; 1 homozygote.

Submissions (3):

PreventionGenetics, part of Exact Sciences
Classification: Likely benign for GNB4-related condition. Last evaluated: 2026-03-04. Review status: criteria provided, single submitter. Criteria: ACMG Guidelines, 2015. Collection method: clinical testing. Allele origin: germline.
Comment: This variant is classified as likely benign based on ACMG/AMP sequence variant interpretation guidelines (Richards et al. 2015 PMID: 25741868, with internal and published modifications).

Labcorp Genetics (formerly Invitae), Labcorp
Classification: Likely benign for Charcot-Marie-Tooth disease dominant intermediate F. Last evaluated: 2025-11-17. Review status: criteria provided, single submitter. Criteria: Invitae Variant Classification Sherloc (09022015). Collection method: clinical testing. Allele origin: germline.

GeneDx
Classification: Likely benign. Last evaluated: 2020-12-02. Review status: criteria provided, single submitter. Criteria: GeneDx Variant Classification Process June 2021. Collection method: clinical testing. Allele origin: germline. Affected: yes.